The following is an entry in ClinVar:

NM_001130438.3(SPTAN1):c.2976T>C (p.Asp992=)

Gene: SPTAN1 (spectrin alpha, non-erythrocytic 1; plus strand). Cytogenetic location: 9q34.11.
Variant type: single nucleotide variant.
Coding change: c.2976T>C on transcript NM_001130438.3 (MANE Select); coding-DNA position 2976, T replaced by C.
Protein change: p.Asp992=; no amino-acid change (aspartic acid 992 retained).
Molecular consequence: synonymous variant.
Genome position (GRCh38, 1-based): chr9:128,588,913, T>C. VCF-style: chr9-128588913-T-C. GRCh37 (hg19) VCF-style: chr9-131351192-T-C.
Other names: c.2976T>C, p.Asp992= (NM_001195532.2, NM_001363759.2, NM_001363765.2 and 10 more transcripts); c.3012T>C, p.Asp1004= (NM_001375312.2, NM_001375318.1, NM_001438440.1).
Identifiers: ClinVar variation 4822334 (VCV004822334.4).
Genomic context (GRCh38, chr9:128,588,913, plus strand): 5'-CTTGGCTCTCTACGACTATCAGGAGAAGAGTCCCCGAGAGGTCACCATGAAGAAGGGAGA[T>C]ATCCTTACCTTACTCAACAGCACCAACAAGGCAAGGCACAGAGAGTGGCTGTGTGTTTGT-3'
Protein context (NP_001123910.1, residues 982-1002): SPREVTMKKG[Asp992=]ILTLLNSTNK

ClinVar aggregate classification (germline): Likely benign (1 of 4 stars; one submission).

Submission:

CeGaT Center for Human Genetics Tuebingen
Classification: Likely benign. Last evaluated: 2026-09-01. Review status: criteria provided, single submitter. Criteria: CeGaT Center For Human Genetics Tuebingen Variant Classification Criteria Version 2. Collection method: clinical testing. Allele origin: germline. Affected: yes. Observed: 3 variant alleles.
Comment: SPTAN1: PM2:Supporting, BP4, BP7